The following is an entry in ClinVar:

NM_002906.4(RDX):c.1135C>T (p.Arg379Ter)

Gene: RDX (radixin; minus strand). Cytogenetic location: 11q22.3.
Variant type: single nucleotide variant.
Coding change: c.1135C>T on transcript NM_002906.4 (MANE Select); coding-DNA position 1135, C replaced by T.
Protein change: p.Arg379Ter; replaces arginine 379 with a stop codon.
Molecular consequence: nonsense. On other transcripts: intron variant (1).
Genome position (GRCh38, 1-based): chr11:110,237,608, G>A on the plus strand (C>T on the coding strand, the complement: RDX is on the minus strand). VCF-style: chr11-110237608-G-A. GRCh37 (hg19) VCF-style: chr11-110108333-G-A.
Other names: p.(Arg379Ter); c.1135C>T, p.Arg379Ter (NM_001260492.2, NM_001260493.2); c.727C>T, p.Arg243Ter (NM_001260494.2); c.94C>T, p.Arg32Ter (NM_001260495.2); c.405-5604C>T (NM_001260496.2); short protein forms R243*, R32*, R379*.
Identifiers: ClinVar variation 1333282 (VCV001333282.1), dbSNP rs772146113, ClinGen allele CA382573929.

ClinVar aggregate classification (germline): Likely pathogenic (1 of 4 stars; one submission).

Conditions:
Autosomal recessive nonsyndromic hearing loss 24. Identifiers: Orphanet 90636, MedGen C1970239, MONDO:0012602, OMIM 611022.

Allele frequency attached by ClinVar (database versions not stated): gnomAD exomes below 0.00001; gnomAD 0.00001.
gnomAD v4.1: 6 of 1,613,876 alleles (0.00037%); highest among the groups gnomAD compares: Non-Finnish European, 0.00042%; no homozygotes.

Submission:

3billion
Classification: Likely pathogenic for Autosomal recessive nonsyndromic hearing loss 24. Last evaluated: 2022-01-03. Review status: criteria provided, single submitter. Criteria: ACMG Guidelines, 2015. Collection method: clinical testing. Allele origin: germline. Affected: yes. Observed: 1 homozygote.
Comment: Stop-gained (nonsense): predicted to result in a loss or disruption of normal protein function through nonsense-mediated decay (NMD) or protein truncation. Multiple pathogenic variants are reported downstream of the variant (PVS1_VS). It is not observed in the gnomAD v2.1.1 dataset (PM2_M). Therefore, this variant is classified as likely pathogenic according to the recommendation of ACMG/AMP guideline.